The following is an entry in ClinVar:

NM_017570.5(OPLAH):c.3044del (p.Gly1015fs)

Gene: OPLAH (5-oxoprolinase, ATP-hydrolysing; minus strand). Cytogenetic location: 8q24.3.
Variant type: Deletion.
Coding change: c.3044del on transcript NM_017570.5 (MANE Select); coding-DNA position 3044, one base deleted (G; older notation c.3044delG).
Protein change: p.Gly1015fs; shifts the reading frame from glycine 1015.
Molecular consequence: frameshift variant.
Genome position (GRCh38, 1-based): chr8:144,052,875, C deleted on the plus strand (G on the coding strand, the reverse complement: OPLAH is on the minus strand); the first of 2 consecutive C bases (chr8:144,052,875-144,052,876); deleting either gives the same sequence. VCF-style (leftmost placement, unchanged base first): chr8-144052874-GC-G. GRCh37 (hg19) VCF-style: chr8-145107777-GC-G.
Other names: short protein forms G1015fs.
Identifiers: ClinVar variation 3356205 (VCV003356205.1).

ClinVar aggregate classification (germline): Likely pathogenic (0 of 4 stars; one submission).

Conditions:
OPLAH-related disorder. Also called: OPLAH-related condition.

Submission:

PreventionGenetics, part of Exact Sciences
Classification: Likely pathogenic for OPLAH-related condition. Last evaluated: 2024-09-24. Review status: no assertion criteria provided. Collection method: clinical testing. Allele origin: germline.
Comment: The OPLAH c.3044delG variant is predicted to result in a frameshift and premature protein termination (p.Gly1015Alafs*16). To our knowledge, this variant has not been reported in the literature. This variant is reported in 0.0065% of alleles in individuals of European (Non-Finnish) descent in gnomAD. Frameshift variants in OPLAH are expected to be pathogenic. This variant is interpreted as likely pathogenic.